The following is an entry in ClinVar:

NM_178452.6(DNAAF1):c.1780G>A (p.Val594Met)

Gene: DNAAF1 (dynein axonemal assembly factor 1; plus strand). Cytogenetic location: 16q24.1.
Variant type: single nucleotide variant.
Coding change: c.1780G>A on transcript NM_178452.6 (MANE Select); coding-DNA position 1780, G replaced by A.
Protein change: p.Val594Met; replaces valine 594 with methionine.
Molecular consequence: missense variant.
Genome position (GRCh38, 1-based): chr16:84,176,014, G>A. VCF-style: chr16-84176014-G-A. GRCh37 (hg19) VCF-style: chr16-84209620-G-A.
Other names: c.1072G>A, p.Val358Met (NM_001318756.1); short protein forms V594M, V358M.
Identifiers: ClinVar variation 1779989 (VCV001779989.7), dbSNP rs2088633060, ClinGen allele CA396950526.

ClinVar aggregate classification (germline): Conflicting classifications of pathogenicity. Review status: criteria provided, conflicting classifications (1 of 4 stars). 2 submissions from 2 submitters: Uncertain significance (1); Likely benign (1). Last evaluated 2022-08-16.

Conditions:
Primary ciliary dyskinesia. Also called: Ciliary dyskinesia. Identifiers: Orphanet 244, MedGen C0008780, MONDO:0016575, HP:0012265.

Allele frequency attached by ClinVar (database versions not stated): gnomAD exomes below 0.00001; TOPMed below 0.00001.
gnomAD v4.1: 2 of 1,614,180 alleles (0.00012%); highest among the groups gnomAD compares: Non-Finnish European, 0.00017%; no homozygotes.

Submissions (2):

Ambry Genetics
Classification: Likely benign for Primary ciliary dyskinesia. Last evaluated: 2022-08-16. Review status: criteria provided, single submitter. Criteria: Ambry Variant Classification Scheme 2023. Collection method: clinical testing. Allele origin: germline.

Labcorp Genetics (formerly Invitae), Labcorp
Classification: Uncertain significance for Primary ciliary dyskinesia. Last evaluated: 2022-02-24. Review status: criteria provided, single submitter. Criteria: Invitae Variant Classification Sherloc (09022015). Collection method: clinical testing. Allele origin: germline.
Comment: This variant is not present in population databases (gnomAD no frequency). This variant has not been reported in the literature in individuals affected with DNAAF1-related conditions. Algorithms developed to predict the effect of missense changes on protein structure and function output the following: SIFT: "Deleterious"; PolyPhen-2: "Benign"; Align-GVGD: "Class C0". The methionine amino acid residue is found in multiple mammalian species, which suggests that this missense change does not adversely affect protein function. This sequence change replaces valine, which is neutral and non-polar, with methionine, which is neutral and non-polar, at codon 594 of the DNAAF1 protein (p.Val594Met). In summary, the available evidence is currently insufficient to determine the role of this variant in disease. Therefore, it has been classified as a Variant of Uncertain Significance.